The following is an entry in ClinVar:

NM_019098.5(CNGB3):c.783_790dup (p.Tyr264fs)

Gene: CNGB3 (cyclic nucleotide gated channel subunit beta 3; minus strand). Cytogenetic location: 8q21.3.
Variant type: Duplication.
Coding change: c.783_790dup on transcript NM_019098.5 (MANE Select); coding-DNA positions 783 to 790, 8 bases duplicated (TATCATCT; older notation c.783_790dupTATCATCT).
Protein change: p.Tyr264fs; shifts the reading frame from tyrosine 264.
Molecular consequence: frameshift variant.
Genome position (GRCh38, 1-based): chr8:86,666,987-86,666,994, AGATGATA duplicated on the plus strand (TATCATCT on the coding strand, the reverse complement: CNGB3 is on the minus strand). VCF-style (leftmost placement, unchanged base first): chr8-86666986-T-TAGATGATA. GRCh37 (hg19) VCF-style: chr8-87679214-T-TAGATGATA.
Other names: short protein forms Y264fs.
Identifiers: ClinVar variation 2009878 (VCV002009878.4), dbSNP rs2538124528, ClinGen allele CA2580078968.

ClinVar aggregate classification (germline): Pathogenic (1 of 4 stars; one submission).

Submission:

Labcorp Genetics (formerly Invitae), Labcorp
Classification: Pathogenic. Last evaluated: 2022-07-07. Review status: criteria provided, single submitter. Criteria: Invitae Variant Classification Sherloc (09022015). Collection method: clinical testing. Allele origin: germline.
Comment: This variant is not present in population databases (gnomAD no frequency). For these reasons, this variant has been classified as Pathogenic. Algorithms developed to predict the effect of sequence changes on RNA splicing suggest that this variant may disrupt the consensus splice site. This variant has not been reported in the literature in individuals affected with CNGB3-related conditions. This sequence change creates a premature translational stop signal (p.Tyr264Leufs*18) in the CNGB3 gene. It is expected to result in an absent or disrupted protein product. Loss-of-function variants in CNGB3 are known to be pathogenic (PMID: 28795510).

Literature cited by the submitters: PubMed 28795510.